The following is an entry in ClinVar:

ClinVar aggregate classification (germline): Pathogenic (1 of 4 stars; one submission).

Conditions:
Osteogenesis imperfecta type I (OI1). Also called: Lobstein's Disease; Lobstein disease; Classic Non-deforming Osteogenesis Imperfecta with Blue Sclerae; OI, TYPE I; OSTEOGENESIS IMPERFECTA TARDA; OSTEOGENESIS IMPERFECTA WITH BLUE SCLERAE. Identifiers: Orphanet 216796, Orphanet 666, MedGen C0023931, MONDO:0008146, OMIM 166200. Disease mechanism: loss of function.

Submission:

Labcorp Genetics (formerly Invitae), Labcorp
Classification: Pathogenic for Osteogenesis imperfecta type I. Last evaluated: 2024-05-14. Review status: criteria provided, single submitter. Criteria: Invitae Variant Classification Sherloc (09022015). Collection method: clinical testing. Allele origin: germline.
Comment: This sequence change creates a premature translational stop signal (p.Ile38Asnfs*12) in the COL1A1 gene. It is expected to result in an absent or disrupted protein product. Loss-of-function variants in COL1A1 are known to be pathogenic (PMID: 7942841, 9295084, 9443882). This variant is not present in population databases (gnomAD no frequency). This variant has not been reported in the literature in individuals affected with COL1A1-related conditions. For these reasons, this variant has been classified as Pathogenic.

Literature cited by the submitters: PubMed 7942841; PubMed 9295084; PubMed 9443882.

NM_000088.4(COL1A1):c.112dup (p.Ile38fs)

Gene: COL1A1 (collagen type I alpha 1 chain; minus strand). Cytogenetic location: 17q21.33.
Variant type: Duplication.
Coding change: c.112dup on transcript NM_000088.4 (MANE Select); coding-DNA position 112, one base duplicated (A; older notation c.112dupA).
Protein change: p.Ile38fs; shifts the reading frame from isoleucine 38.
Molecular consequence: frameshift variant.
Genome position (GRCh38, 1-based): chr17:50,199,939, T duplicated on the plus strand (A on the coding strand, the reverse complement: COL1A1 is on the minus strand); the first of 2 consecutive T bases (chr17:50,199,939-50,199,940); duplicating either gives the same sequence. VCF-style (leftmost placement, unchanged base first): chr17-50199938-A-AT. GRCh37 (hg19) VCF-style: chr17-48277299-A-AT.
Other names: short protein forms I38fs.
Identifiers: ClinVar variation 3653360 (VCV003653360.2).